The following is an entry in ClinVar:

GRCh38/hg38 22q11.22-11.23(chr22:22660238-23305976)x1

Genes: BCR (BCR activator of RhoGEF and GTPase; plus strand), GNAZ (G protein subunit alpha z; plus strand), IGL (immunoglobulin lambda locus; plus strand), IGLC1 (immunoglobulin lambda constant 1; plus strand), IGLC2 (immunoglobulin lambda constant 2; plus strand) and 78 more. Cytogenetic location: 22q11.22-11.23.
Variant type: copy number loss.
Change: copy number 1 (one copy instead of two) of chr22:22,660,238-23,305,976 (645.7 kb, GRCh38 coordinates, 1-based), cytogenetic band 22q11.22-11.23.
Identifiers: ClinVar variation 59285 (VCV000059285.2).

ClinVar aggregate classification (germline): Pathogenic (1 of 4 stars; one submission).

Submission:

ISCA Site 6
Classification: Pathogenic. Last evaluated: 2011-08-12. Review status: criteria provided, single submitter. Criteria: Kaminsky et al. (Genet Med. 2011). Collection method: clinical testing. Allele origin: unknown. Affected: yes. Observed: 2 variant alleles.
Comment: Copy number variation identified through the course of routine clinical cytogenomic testing in postnatal populations. Clinical assertions have been curated as described in Kaminsky et al. 2011.